The following is an entry in ClinVar:

ClinVar aggregate classification (germline): Uncertain significance (1 of 4 stars; one submission).

Allele frequency attached by ClinVar (database versions not stated): gnomAD 0.00001.
gnomAD v4.1: 2 of 1,599,124 alleles (0.00013%); highest among the groups gnomAD compares: African/African-American, 0.0027%; no homozygotes.

Submission:

Labcorp Genetics (formerly Invitae), Labcorp
Classification: Uncertain significance. Last evaluated: 2023-01-20. Review status: criteria provided, single submitter. Criteria: Invitae Variant Classification Sherloc (09022015). Collection method: clinical testing. Allele origin: germline.
Comment: In summary, the available evidence is currently insufficient to determine the role of this variant in disease. Therefore, it has been classified as a Variant of Uncertain Significance. Algorithms developed to predict the effect of sequence changes on RNA splicing suggest that this variant may disrupt the consensus splice site. This variant has not been reported in the literature in individuals affected with AK7-related conditions. This variant is not present in population databases (gnomAD no frequency). This sequence change affects a donor splice site in intron 3 of the AK7 gene. It is expected to disrupt RNA splicing. Variants that disrupt the donor or acceptor splice site typically lead to a loss of protein function (PMID: 16199547), however the current clinical and genetic evidence is not sufficient to establish whether loss-of-function variants in AK7 cause disease.

Literature cited by the submitters: PubMed 16199547.

NM_152327.5(AK7):c.403+2T>A

Gene: AK7 (adenylate kinase 7; plus strand). Cytogenetic location: 14q32.2.
Variant type: single nucleotide variant.
Coding change: c.403+2T>A on transcript NM_152327.5 (MANE Select); the canonical splice donor site of the intron after coding-DNA position 403, T replaced by A.
Molecular consequence: splice donor variant.
Genome position (GRCh38, 1-based): chr14:96,404,867, T>A. VCF-style: chr14-96404867-T-A. GRCh37 (hg19) VCF-style: chr14-96871204-T-A.
Other names: c.403+2T>A (NM_001350888.2, NM_001350890.2, NM_001350892.2 and 1 more transcripts).
Identifiers: ClinVar variation 2830573 (VCV002830573.3), dbSNP rs1890618435, ClinGen allele CA390916247.